The following is an entry in ClinVar:

NM_139318.5(KCNH5):c.944G>A (p.Gly315Glu)

Gene: KCNH5 (potassium voltage-gated channel subfamily H member 5; minus strand). Cytogenetic location: 14q23.2.
Variant type: single nucleotide variant.
Coding change: c.944G>A on transcript NM_139318.5 (MANE Select); coding-DNA position 944, G replaced by A.
Protein change: p.Gly315Glu; replaces glycine 315 with glutamic acid.
Molecular consequence: missense variant.
Genome position (GRCh38, 1-based): chr14:62,950,558, C>T on the plus strand (G>A on the coding strand, the complement: KCNH5 is on the minus strand). VCF-style: chr14-62950558-C-T. GRCh37 (hg19) VCF-style: chr14-63417276-C-T.
Other names: c.944G>A, p.Gly315Glu (NM_172375.3); short protein forms G315E.
Identifiers: ClinVar variation 3773702 (VCV003773702.3).
Genomic context (GRCh38, chr14:62,950,558, plus strand): 5'-GCCACACGGCCCAGTCGTAAGAGACGCACCACTTTTAAAGAACTGAAGAGACTGCTGATT[C>T]CCTGGATTTAAAAAAAAAAAAAAAATTACACCACATTTTCAGGAAAAAAAAAGGCTGGGG-3'
Protein context (NP_647479.2, residues 305-325): IINAFENVDE[Gly315Glu]ISSLFSSLKV

ClinVar aggregate classification (germline): Uncertain significance (1 of 4 stars; one submission).

Conditions:
Developmental and epileptic encephalopathy 112. Identifiers: MedGen C5882700, MONDO:0957812, OMIM 620537.

Submission:

Institute of Human Genetics, University of Leipzig Medical Center
Classification: Uncertain significance for Developmental and epileptic encephalopathy 112. Last evaluated: 2025-02-24. Review status: criteria provided, single submitter. Criteria: ACMG Guidelines, 2015. Collection method: clinical testing. Allele origin: paternal. Inheritance: Autosomal dominant inheritance. Affected: yes.
Comment: Criteria applied: PM2,PP2,PP3